The following is an entry in ClinVar:

NM_006147.4(IRF6):c.260T>C (p.Leu87Pro)

Gene: IRF6 (interferon regulatory factor 6; minus strand). Cytogenetic location: 1q32.2.
Variant type: single nucleotide variant.
Coding change: c.260T>C on transcript NM_006147.4 (MANE Select); coding-DNA position 260, T replaced by C.
Protein change: p.Leu87Pro; replaces leucine 87 with proline.
Molecular consequence: missense variant. On other transcripts: 5 prime UTR variant (1).
Genome position (GRCh38, 1-based): chr1:209,796,467, A>G on the plus strand (T>C on the coding strand, the complement: IRF6 is on the minus strand). VCF-style: chr1-209796467-A-G. GRCh37 (hg19) VCF-style: chr1-209969812-A-G.
Other names: c.-26T>C (NM_001206696.2); short protein forms L87P.
Identifiers: ClinVar variation 533110 (VCV000533110.11), dbSNP rs1553248267, ClinGen allele CA344583274.

ClinVar aggregate classification (germline): Uncertain significance. Review status: criteria provided, single submitter (1 of 4 stars). 2 submissions from 2 submitters: Uncertain significance (1). 1 of the submissions does not count toward it. Last evaluated 2017-12-10.

Conditions:
Van der Woude syndrome. Identifiers: Orphanet 888, MedGen C0175697, MONDO:0019508.
Orofacial cleft 6, susceptibility to (OFC6). Also called: CLEFT LIP WITH OR WITHOUT CLEFT PALATE, NONSYNDROMIC, 6. Identifiers: MedGen C1837213, MONDO:0012141, OMIM 608864.
Popliteal pterygium syndrome (PPS). Identifiers: Orphanet 294963, MedGen C0265259, MONDO:0017435.
IRF6-related condition. Also called: IRF6-Related Disorders; IRF6-related disorder. Identifiers: MedGen CN378148, MONDO:1040010.

Submissions (2):

Labcorp Genetics (formerly Invitae), Labcorp
Classification: Uncertain significance for Orofacial cleft 6, susceptibility to; Van der Woude syndrome; Popliteal pterygium syndrome. Last evaluated: 2017-12-10. Review status: criteria provided, single submitter. Criteria: Invitae Variant Classification Sherloc (09022015). Collection method: clinical testing. Allele origin: germline.
Comment: This sequence change replaces leucine with proline at codon 87 of the IRF6 protein (p.Leu87Pro). The leucine residue is highly conserved and there is a moderate physicochemical difference between leucine and proline. This variant is not present in population databases (ExAC no frequency). This variant has not been reported in the literature in individuals with IRF6-related disease. Algorithms developed to predict the effect of missense changes on protein structure and function (SIFT, PolyPhen-2, Align-GVGD) all suggest that this variant is likely to be disruptive, but these predictions have not been confirmed by published functional studies and their clinical significance is uncertain. A different missense substitutions at this codon (p.Leu87Phe) has been reported in individuals affected with Van der Woude syndrome (VWS) (PMID: 19282774). This suggests that the leucine residue may be critical for IRF6 protein function In summary, the available evidence is currently insufficient to determine the role of this variant in disease. Therefore, it has been classified as a Variant of Uncertain Significance.

PreventionGenetics, part of Exact Sciences
Classification: Uncertain significance for IRF6-related condition. Last evaluated: 2024-06-18. Review status: no assertion criteria provided. Collection method: clinical testing. Allele origin: germline. Not counted in ClinVar's aggregate classification.
Comment: The IRF6 c.260T>C variant is predicted to result in the amino acid substitution p.Leu87Pro. To our knowledge, this variant has not been reported in the literature or in a large population database, indicating this variant is rare. An alternative nucleotide change affecting the same amino acid (c.259C>T, p.Leu87Phe) has been reported in individuals with Van der Woude syndrome, including affected family member(s) (de Lima et al. 2009. PubMed ID: 19282774; Family 6 in Yu et al. 2020. PubMed ID: 32108996). Although we suspect that the c.260T>C (p.Leu87Pro) variant may be pathogenic, at this time, the clinical significance of this variant is uncertain due to the absence of conclusive functional and genetic evidence.

Literature cited by the submitters: PubMed 19282774 (cited by Labcorp Genetics (formerly Invitae), Labcorp).